The following is an entry in ClinVar:

ClinVar aggregate classification (germline): Pathogenic. Review status: criteria provided, multiple submitters, no conflicts (2 of 4 stars). 12 submissions from 12 submitters: Pathogenic (11). 1 of the submissions does not count toward it. Last evaluated 2026-05-27.

Conditions:
Neurodevelopmental disorder. Identifiers: MedGen C1535926, MeSH D065886, MONDO:0700092.
ALPK3-related disorder. Also called: ALPK3-related condition.
Cardiomyopathy, familial hypertrophic 27. Identifiers: MedGen C4748014, MONDO:0054838, OMIM 618052.
Cardiovascular phenotype. Identifiers: MedGen CN230736.

Allele frequency attached by ClinVar (database versions not stated): TOPMed 0.00003; gnomAD 0.00004.
gnomAD v4.1: 116 of 1,610,920 alleles (0.0072%); highest among the groups gnomAD compares: Non-Finnish European, 0.0088%; no homozygotes.

Submissions (12):

PreventionGenetics, part of Exact Sciences
Classification: Pathogenic for ALPK3-related condition. Last evaluated: 2026-05-27. Review status: criteria provided, single submitter. Criteria: ACMG Guidelines, 2015. Collection method: clinical testing. Allele origin: germline.
Comment: The ALPK3 c.3781C>T variant is predicted to result in premature protein termination (p.Arg1261*). This variant, also referred to as c.3175C>T in NM_020778.5, has been reported in the homozygous and compound heterozygous state in multiple individuals with severe pediatric-onset cardiomyopathy and has been shown to segregate with disease (Almomani et al. 2016. PubMed ID: 26846950; van Velzen et al. 2018. PubMed ID: 29661763; Liu et al. 2019. PubMed ID: 31216405; Herkert et al. 2020. PubMed ID: 32480058; Ader et al. 2024. PubMed ID: 38356193). This variant has also been reported in the heterozygous state in multiple individuals with adult-onset hypertrophic cardiomyopathy (see, for example, Herkert et al. 2020. PubMed ID: 32480058; Lopes et al. 2021. PubMed ID: 34263907). This variant is reported in 0.0084% of alleles in individuals of European (Non-Finnish) descent in gnomAD. Nonsense variants in ALPK3 are expected to be pathogenic. This variant is interpreted as pathogenic.

Labcorp Genetics (formerly Invitae), Labcorp
Classification: Pathogenic. Last evaluated: 2026-01-13. Review status: criteria provided, single submitter. Criteria: Invitae Variant Classification Sherloc (09022015). Collection method: clinical testing. Allele origin: germline.
Comment: This sequence change creates a premature translational stop signal (p.Arg1261*) in the ALPK3 gene. It is expected to result in an absent or disrupted protein product. Loss-of-function variants in ALPK3 are known to be pathogenic (PMID: 21441111, 26846950, 27106955, 34263907). This variant is present in population databases (rs749465164, gnomAD 0.007%). This premature translational stop signal has been observed in individual(s) with ALPK3-related conditions (PMID: 26846950). ClinVar contains an entry for this variant (Variation ID: 488984). For these reasons, this variant has been classified as Pathogenic.

GeneDx
Classification: Pathogenic. Last evaluated: 2025-03-24. Review status: criteria provided, single submitter. Criteria: GeneDx Variant Classification Process June 2021. Collection method: clinical testing. Allele origin: germline. Affected: yes.
Comment: Reported in the homozygous state, as p.(R1261*) due to use of alternate nomenclature, in three children from consanguineous parents with features of cardiomyopathy; the unaffected father and one unaffected sibling were heterozgyous for this variant (PMID: 26846950, 32480058); Has also been observed in heterozygous state in patients with features of hypertrophic cardiomyopathy but detailed clinical information was not specified (PMID: 39036505, 34263907); Nonsense variant predicted to result in protein truncation or nonsense mediated decay in a gene for which loss-of-function is a known mechanism of disease; This variant is associated with the following publications: (PMID: 27106955, 28630369, 32480058, 31216405, 34263907, 39036505, 26846950, 29661763)

CeGaT Center for Human Genetics Tuebingen
Classification: Pathogenic. Last evaluated: 2025-02-01. Review status: criteria provided, single submitter. Criteria: CeGaT Center For Human Genetics Tuebingen Variant Classification Criteria Version 2. Collection method: clinical testing. Allele origin: germline. Affected: yes. Observed: 1 variant allele.
Comment: ALPK3: PVS1, PM2, PM3

Victorian Clinical Genetics Services, Murdoch Childrens Research Institute
Classification: Pathogenic for Cardiomyopathy, familial hypertrophic 27. Last evaluated: 2024-10-09. Review status: criteria provided, single submitter. Criteria: ACMG Guidelines, 2015. Collection method: clinical testing. Allele origin: germline. Inheritance: Autosomal dominant inheritance. Affected: yes.
Comment: Based on the classification scheme VCGS_Germline_v1.3.4, this variant is classified as Pathogenic. Following criteria are met: 0102 - Loss of function is a known mechanism of disease in this gene and is associated with familial hypertrophic cardiomyopathy 27 (MIM#618052). (I) 0108 - This gene is associated with both recessive and dominant disease (PMID: 34263907). (I) 0112 - The condition associated with this gene has incomplete penetrance. Age-dependent penetrance has been observed in the autosomal dominant condition (PMID: 32480058, 34263907). (I) 0201 - Variant is predicted to cause nonsense-mediated decay (NMD) and loss of protein (premature termination codon is located at least 54 nucleotides upstream of the final exon-exon junction). (SP) 0251 - This variant is heterozygous. (I) 0304 - Variant is present in gnomAD <0.01 for a recessive condition (v2) (10 heterozygotes, 0 homozygotes). (SP) 0701 - Other NMD predicted variants comparable to the one identified in this case have very strong previous evidence for pathogenicity. Other variants predicted to cause NMD have been reported in ClinVar as pathogenic in individuals with cardiomyopathy. (SP) 0801 - This variant has strong previous evidence of pathogenicity in unrelated individuals. The variant has been previously reported as pathogenic in patients with cardiomyopathy (ClinVar, PMID: 26846950). (SP) 0902 - This variant has moderate evidence for segregation with disease. The variant has also been shown to segregate with disease in three affected siblings from one family (PMID: 26846950). (SP) 1208 - Inheritance information for this variant is not currently available in this individual. (I) Legend: (SP) - Supporting pathogenic, (I) - Information, (SB) - Supporting benign

3billion
Classification: Pathogenic for Cardiomyopathy, familial hypertrophic 27. Last evaluated: 2024-03-13. Review status: criteria provided, single submitter. Criteria: ACMG Guidelines, 2015. Collection method: clinical testing. Allele origin: germline. Affected: yes.
Comment: The variant is observed at an extremely low frequency in the gnomAD v2.1.1 dataset (total allele frequency: 0.004%). Predicted Consequence/Location: Stop-gained (nonsense): predicted to result in a loss or disruption of normal protein function through nonsense-mediated decay (NMD) or protein truncation. Multiple pathogenic variants are reported downstream of the variant. The variant has been reported at least twice as pathogenic with clinical assertions and evidence for the classification (ClinVar ID: VCV000488984 /PMID: 26846950). Therefore, this variant is classified as Pathogenic according to the recommendation of ACMG/AMP guideline.

Blueprint Genetics
Classification: Pathogenic for ALPK3-related disorders. Last evaluated: 2024-03-05. Review status: criteria provided, single submitter. Criteria: ACMG Guidelines, 2015. Collection method: clinical testing. Allele origin: germline. Affected: yes. Observed: 5 variant alleles.

Ambry Genetics
Classification: Pathogenic for Cardiovascular phenotype. Last evaluated: 2022-07-26. Review status: criteria provided, single submitter. Criteria: Ambry Variant Classification Scheme 2023. Collection method: clinical testing. Allele origin: germline.
Comment: The p.R1261* pathogenic mutation (also known as c.3781C>T), located in coding exon 6 of the ALPK3 gene, results from a C to T substitution at nucleotide position 3781. This changes the amino acid from an arginine to a stop codon within coding exon 6. This variant has been reported in the homozygous state in three siblings of unaffected, consanguineous parents. Two siblings were diagnosed with severe cardiomyopathy and hydrops fetalis in utero, and one was diagnosed with severe concentric left ventricular hypertrophy at birth. An unaffected sibling and the father were heterozygous for the variant (Almomani R et al. J. Am. Coll. Cardiol., 2016 Feb;67:515-25). This alteration is expected to result in loss of function by premature protein truncation or nonsense-mediated mRNA decay. Based on the supporting evidence, this alteration is interpreted as a disease-causing mutation.

ARUP Laboratories, Molecular Genetics and Genomics, ARUP Laboratories
Classification: Pathogenic for Cardiomyopathy, familial hypertrophic 27. Last evaluated: 2021-10-23. Review status: criteria provided, single submitter. Criteria: ARUP Molecular Germline Variant Investigation Process 2021. Collection method: clinical testing. Allele origin: germline.
Comment: The ALPK3 c.3175C>T, p.Arg1059Ter variant (rs749465164) is reported homozygous in the literature in a family with severe pediatric cardiomyopathy and heterozygous in the asymptomatic parents (Almomani 2016). This variant is reported in ClinVar (Variation ID: 488984). This variant is found in the non-Finnish European population with an allele frequency of 0.008% (9/107310 alleles) in the Genome Aggregation Database. This variant induces an early termination codon and is predicted to result in a truncated protein or mRNA subject to nonsense-mediated decay. Based on available information, this variant is considered to be pathogenic. References: Almomani R et al. Biallelic Truncating Mutations in ALPK3 Cause Severe Pediatric Cardiomyopathy. J Am Coll Cardiol. 2016 Feb 9;67(5):515-25. PMID: 26846950.

Laboratory of Molecular Genetics (Pr. Bezieau's lab), CHU de Nantes
Classification: Pathogenic for Neurodevelopmental disorder. Last evaluated: 2021-01-19. Review status: criteria provided, single submitter. Criteria: ACMG Guidelines, 2015. Collection method: clinical testing. Allele origin: germline. Affected: yes.

Baylor Genetics
Classification: Pathogenic for Cardiomyopathy, familial hypertrophic 27. Last evaluated: 2017-12-31. Review status: criteria provided, single submitter. Criteria: ACMG Guidelines, 2015. Collection method: clinical testing. Allele origin: germline. Affected: yes.

OMIM
Classification: Pathogenic for CARDIOMYOPATHY, FAMILIAL HYPERTROPHIC, 27. Last evaluated: 2022-10-03. Review status: no assertion criteria provided. Collection method: literature only. Allele origin: germline. Not counted in ClinVar's aggregate classification.

Literature cited by the submitters: PubMed 21441111 (cited by Labcorp Genetics (formerly Invitae), Labcorp); PubMed 26846950 (cited by 6 submitters); PubMed 27106955 (cited by Labcorp Genetics (formerly Invitae), Labcorp); PubMed 34263907 (cited by Labcorp Genetics (formerly Invitae), Labcorp and Victorian Clinical Genetics Services, Murdoch Childrens Research Institute); PubMed 32480058 (cited by Victorian Clinical Genetics Services, Murdoch Childrens Research Institute); PubMed 28630369 (cited by Ambry Genetics); PubMed 29661763 (cited by Ambry Genetics).

NM_020778.5(ALPK3):c.3175C>T (p.Arg1059Ter)

Gene: ALPK3 (alpha kinase 3; plus strand). Cytogenetic location: 15q25.3.
Variant type: single nucleotide variant.
Coding change: c.3175C>T on transcript NM_020778.5 (MANE Select); coding-DNA position 3175, C replaced by T.
Protein change: p.Arg1059Ter; replaces arginine 1059 with a stop codon.
Molecular consequence: nonsense.
Genome position (GRCh38, 1-based): chr15:84,857,913, C>T. VCF-style: chr15-84857913-C-T. GRCh37 (hg19) VCF-style: chr15-85401144-C-T.
Other names: short protein forms R1261*, R1059*.
Identifiers: ClinVar variation 488984 (VCV000488984.41), dbSNP rs749465164, ClinGen allele CA7709571.